The following is an entry in ClinVar:

ClinVar aggregate classification (germline): Conflicting classifications of pathogenicity. Review status: criteria provided, conflicting classifications (1 of 4 stars). 2 submissions from 2 submitters: Likely pathogenic (1); Uncertain significance (1). Last evaluated 2023-05-16.

Conditions:
Cardiomyopathy (CMYO). Also called: Cardiomyopathies. Identifiers: Orphanet 167848, MedGen C0878544, MONDO:0004994, HP:0001638. Inheritance: Various modes of inheritance.

Submissions (2):

CHEO Genetics Diagnostic Laboratory, Children's Hospital of Eastern Ontario
Classification: Uncertain significance for Cardiomyopathy. Last evaluated: 2023-05-16. Review status: criteria provided, single submitter. Criteria: ACMG Guidelines, 2015. Collection method: clinical testing. Allele origin: germline.

GeneDx
Classification: Likely pathogenic. Last evaluated: 2013-08-12. Review status: criteria provided, single submitter. Criteria: GeneDx Variant Classification (06012015). Collection method: clinical testing. Allele origin: germline. Affected: yes.
Comment: The c.183+5 G>A variant in the LAMP2 gene has not been reported previously as a disease-causing mutation or as a benign polymorphism, to our knowledge. Two in silico splice prediction algorithms predict c.183+5 G>A results in loss of the natural splice donor site of intron 2, which is expected to cause abnormal gene splicing. This may lead to either an abnormal message that is subject to nonsense-mediated mRNA decay, or to an abnormal protein product if the message is used for protein translation. Furthermore, other splice site mutations have been reported in the LAMP2 gene. In summary, the c.185+5 G>A variant in the LAMP2 gene is a good candidate for a disease-causing mutation but the possibility this is a benign variant cannot be excluded. The pathogenic role of this variant would be further supported if it co-segregates with a cardiomyopathy and/or Danon disease phenotype in this family.The variant is found in DCM panel(s).

NM_002294.3(LAMP2):c.183+5G>A

Gene: LAMP2 (lysosomal associated membrane protein 2; minus strand). Cytogenetic location: Xq24.
Variant type: single nucleotide variant.
Coding change: c.183+5G>A on transcript NM_002294.3 (MANE Select); 5 bases into the intron after coding-DNA position 183, G replaced by A.
Molecular consequence: intron variant.
Genome position (GRCh38, 1-based): chrX:120,456,646, C>T on the plus strand (G>A on the coding strand, the complement: LAMP2 is on the minus strand). VCF-style: chrX-120456646-C-T. GRCh37 (hg19) VCF-style: chrX-119590501-C-T.
Other names: c.183+5G>A (NM_001122606.1, NM_013995.2).
Identifiers: ClinVar variation 180869 (VCV000180869.3), dbSNP rs730880479, ClinGen allele CA333639.